The following is an entry in ClinVar:

NM_001164508.2(NEB):c.8350G>A (p.Ala2784Thr)

Gene: NEB (nebulin; minus strand). Cytogenetic location: 2q23.3.
Variant type: single nucleotide variant.
Coding change: c.8350G>A on transcript NM_001164508.2 (MANE Select); coding-DNA position 8350, G replaced by A.
Protein change: p.Ala2784Thr; replaces alanine 2784 with threonine.
Molecular consequence: missense variant.
Genome position (GRCh38, 1-based): chr2:151,642,597, C>T on the plus strand (G>A on the coding strand, the complement: NEB is on the minus strand). VCF-style: chr2-151642597-C-T. GRCh37 (hg19) VCF-style: chr2-152499111-C-T.
Other names: c.8350G>A, p.Ala2784Thr (NM_001164507.2, NM_001271208.2, NM_004543.5); short protein forms A2784T.
Identifiers: ClinVar variation 1991854 (VCV001991854.14), dbSNP rs142326967, ClinGen allele CA1909623.

ClinVar aggregate classification (germline): Conflicting classifications of pathogenicity. Review status: criteria provided, conflicting classifications (1 of 4 stars). 3 submissions from 3 submitters: Uncertain significance (2); Likely benign (1). Last evaluated 2025-06-01.

Conditions:
Nemaline myopathy 2 (NEM2). Also called: Nemaline myopathy 2, autosomal recessive. Identifiers: MedGen C1850569, MONDO:0009725, OMIM 256030.

Allele frequency attached by ClinVar (database versions not stated): gnomAD exomes 0.00006; TOPMed 0.00011; ExAC 0.00015; 1000 Genomes Project 30x 0.00031; 1000 Genomes Project 0.00040.
gnomAD v4.1: 104 of 1,613,468 alleles (0.0064%); highest among the groups gnomAD compares: East Asian, 0.13%; 1 homozygote.

Submissions (3):

CeGaT Center for Human Genetics Tuebingen
Classification: Likely benign. Last evaluated: 2025-06-01. Review status: criteria provided, single submitter. Criteria: CeGaT Center For Human Genetics Tuebingen Variant Classification Criteria Version 2. Collection method: clinical testing. Allele origin: germline. Affected: yes. Observed: 1 variant allele.
Comment: NEB: BP4, BS2

Revvity Omics, Revvity
Classification: Uncertain significance. Last evaluated: 2024-10-11. Review status: criteria provided, single submitter. Criteria: ACMG Guidelines, 2015. Collection method: clinical testing. Allele origin: germline.

Labcorp Genetics (formerly Invitae), Labcorp
Classification: Uncertain significance for Nemaline myopathy 2. Last evaluated: 2022-03-06. Review status: criteria provided, single submitter. Criteria: Invitae Variant Classification Sherloc (09022015). Collection method: clinical testing. Allele origin: germline.
Comment: This sequence change replaces alanine, which is neutral and non-polar, with threonine, which is neutral and polar, at codon 2784 of the NEB protein (p.Ala2784Thr). This variant is present in population databases (rs142326967, gnomAD 0.2%). This missense change has been observed in individual(s) with nemaline myopathy (PMID: 32222963). Algorithms developed to predict the effect of missense changes on protein structure and function are either unavailable or do not agree on the potential impact of this missense change (SIFT: "Deleterious"; PolyPhen-2: "Not Available"; Align-GVGD: "Class C0"). In summary, the available evidence is currently insufficient to determine the role of this variant in disease. Therefore, it has been classified as a Variant of Uncertain Significance.

Literature cited by the submitters: PubMed 32222963 (cited by Labcorp Genetics (formerly Invitae), Labcorp).